The following is an entry in ClinVar:

ClinVar aggregate classification (germline): Uncertain significance (1 of 4 stars; one submission).

Allele frequency attached by ClinVar (database versions not stated): gnomAD exomes below 0.00001; TOPMed below 0.00001.
gnomAD v4.1: 2 of 1,610,184 alleles (0.00012%); highest among the groups gnomAD compares: Non-Finnish European, 0.00017%; no homozygotes.

Submission:

Ambry Genetics
Classification: Uncertain significance. Last evaluated: 2023-10-20. Review status: criteria provided, single submitter. Criteria: Ambry Variant Classification Scheme 2023. Collection method: clinical testing. Allele origin: germline.
Comment: The p.Q181H variant (also known as c.543G>C), located in coding exon 4 of the BUB3 gene, results from a G to C substitution at nucleotide position 543. The glutamine at codon 181 is replaced by histidine, an amino acid with highly similar properties. This amino acid position is conserved. In addition, this alteration is predicted to be deleterious by in silico analysis. Since supporting evidence is limited at this time, the clinical significance of this alteration remains unclear.

NM_004725.4(BUB3):c.543G>C (p.Gln181His)

Gene: BUB3 (BUB3 mitotic checkpoint protein; plus strand). Cytogenetic location: 10q26.13.
Variant type: single nucleotide variant.
Coding change: c.543G>C on transcript NM_004725.4 (MANE Select); coding-DNA position 543, G replaced by C.
Protein change: p.Gln181His; replaces glutamine 181 with histidine.
Molecular consequence: missense variant.
Genome position (GRCh38, 1-based): chr10:123,160,532, G>C. VCF-style: chr10-123160532-G-C. GRCh37 (hg19) VCF-style: chr10-124920048-G-C.
Other names: c.543G>C, p.Gln181His (NM_001007793.3); short protein forms Q181H.
Identifiers: ClinVar variation 3224506 (VCV003224506.1), dbSNP rs1405722434, ClinGen allele CA378626328.